The following is an entry in ClinVar:

NM_017999.5(RNF31):c.82G>A (p.Ala28Thr)

Gene: RNF31 (ring finger protein 31; plus strand). Cytogenetic location: 14q12.
Variant type: single nucleotide variant.
Coding change: c.82G>A on transcript NM_017999.5 (MANE Select); coding-DNA position 82, G replaced by A.
Protein change: p.Ala28Thr; replaces alanine 28 with threonine.
Molecular consequence: missense variant. On other transcripts: intron variant (1).
Genome position (GRCh38, 1-based): chr14:24,147,780, G>A. VCF-style: chr14-24147780-G-A. GRCh37 (hg19) VCF-style: chr14-24616989-G-A.
Other names: c.-325-196G>A (NM_001310332.2); short protein forms A28T.
Identifiers: ClinVar variation 2838882 (VCV002838882.3), dbSNP rs2501989466, ClinGen allele CA389283936.

ClinVar aggregate classification (germline): Uncertain significance (1 of 4 stars; one submission).

Allele frequency attached by ClinVar (database versions not stated): gnomAD exomes below 0.00001.
gnomAD v4.1: 3 of 1,584,220 alleles (0.00019%); highest among the groups gnomAD compares: Non-Finnish European, 0.00026%; no homozygotes.

Submission:

Labcorp Genetics (formerly Invitae), Labcorp
Classification: Uncertain significance. Last evaluated: 2023-02-18. Review status: criteria provided, single submitter. Criteria: Invitae Variant Classification Sherloc (09022015). Collection method: clinical testing. Allele origin: germline.
Comment: This sequence change replaces alanine, which is neutral and non-polar, with threonine, which is neutral and polar, at codon 28 of the RNF31 protein (p.Ala28Thr). This variant is not present in population databases (gnomAD no frequency). In summary, the available evidence is currently insufficient to determine the role of this variant in disease. Therefore, it has been classified as a Variant of Uncertain Significance. Algorithms developed to predict the effect of missense changes on protein structure and function output the following: SIFT: "Not Available"; PolyPhen-2: "Benign"; Align-GVGD: "Not Available". The threonine amino acid residue is found in multiple mammalian species, which suggests that this missense change does not adversely affect protein function. This variant has not been reported in the literature in individuals affected with RNF31-related conditions.